The following is an entry in ClinVar:

NM_002471.4(MYH6):c.3618C>T (p.Gly1206=)

Gene: MYH6 (myosin heavy chain 6; minus strand). Cytogenetic location: 14q11.2.
Variant type: single nucleotide variant.
Coding change: c.3618C>T on transcript NM_002471.4 (MANE Select); coding-DNA position 3618, C replaced by T.
Protein change: p.Gly1206=; no amino-acid change (glycine 1206 retained).
Molecular consequence: synonymous variant.
Genome position (GRCh38, 1-based): chr14:23,390,171, G>A on the plus strand (C>T on the coding strand, the complement: MYH6 is on the minus strand). VCF-style: chr14-23390171-G-A. GRCh37 (hg19) VCF-style: chr14-23859380-G-A.
Identifiers: ClinVar variation 565499 (VCV000565499.17), dbSNP rs765103086, ClinGen allele CA7115119.

ClinVar aggregate classification (germline): Conflicting classifications of pathogenicity. Review status: criteria provided, conflicting classifications (1 of 4 stars). 5 submissions from 5 submitters: Uncertain significance (4); Likely benign (1). Last evaluated 2026-07-10.

Conditions:
MYH6-related disorder. Also called: MYH6-Related Disorders; MYH6-related condition.
Atrial septal defect 3 (ASD3). Identifiers: Orphanet 1478, MedGen C3279790, MONDO:0013567, OMIM 614089.
Dilated cardiomyopathy 1EE (CMD1EE). Identifiers: Orphanet 154, MedGen C2750466, MONDO:0013198, OMIM 613252.
Hypertrophic cardiomyopathy 14. Identifiers: MedGen C2750467, MONDO:0013197, OMIM 613251.
Sick sinus syndrome 3, susceptibility to (SSS3). Identifiers: Orphanet 166282, MedGen C3279791, MONDO:0013568, OMIM 614090.
Hypertrophic cardiomyopathy 1 (CMH1). Also called: Familial hypertrophic cardiomyopathy 1; MYH7-Related Familial Hypertrophic Cardiomyopathy. Identifiers: MedGen C3495498, MONDO:0008647, OMIM 192600.
Cardiovascular phenotype. Identifiers: MedGen CN230736.

Allele frequency attached by ClinVar (database versions not stated): gnomAD 0.00004; TOPMed 0.00004.

Submissions (5):

PreventionGenetics, part of Exact Sciences
Classification: Uncertain significance for MYH6-related condition. Last evaluated: 2026-07-10. Review status: criteria provided, single submitter. Criteria: ACMG Guidelines, 2015. Collection method: clinical testing. Allele origin: germline.
Comment: The MYH6 c.3618C>T is a noncoding alteration. This variant is predicted to impact splicing based on splicing prediction programs (SpliceAI, Jaganathan et al. 2019. PubMed ID: 30661751). However, the use of computer prediction programs is not equivalent to functional evidence. This variant has been reported as a variant of uncertain significance in a cohort of individuals referred for genetic testing of cardiomyopathy and/or arrhythmia; however, detailed clinical information was not available (Supplement 2, Dellefave-Castillo et al. 2022. PubMed ID: 35947370). This variant is reported in 0.0047% of alleles in individuals of European (Non-Finnish) descent in gnomAD. At this time, the clinical significance of this variant is uncertain due to the absence of conclusive functional and genetic evidence.

Labcorp Genetics (formerly Invitae), Labcorp
Classification: Likely benign for Hypertrophic cardiomyopathy 14. Last evaluated: 2025-11-01. Review status: criteria provided, single submitter. Criteria: Invitae Variant Classification Sherloc (09022015). Collection method: clinical testing. Allele origin: germline.

Ambry Genetics
Classification: Uncertain significance for Cardiovascular phenotype. Last evaluated: 2025-10-29. Review status: criteria provided, single submitter. Criteria: Ambry Variant Classification Scheme 2023. Collection method: clinical testing. Allele origin: germline.
Comment: The c.3618C>T variant (also known as p.G1206G), located in coding exon 24 of the MYH6 gene, results from a C to T substitution at nucleotide position 3618. This nucleotide substitution does not change the amino acid at codon 1206. This nucleotide position is not well conserved in available vertebrate species. In silico splice site analysis for this alteration is inconclusive. Based on the available evidence, the clinical significance of this variant remains unclear.

Clinical Genomics Laboratory, Stanford Medicine
Classification: Uncertain significance. Last evaluated: 2023-05-25. Review status: criteria provided, single submitter. Criteria: ACMG Guidelines, 2015. Collection method: clinical testing. Allele origin: germline. Observed: 1 variant allele, 1 heterozygote.
Comment: The p.Gly1206= variant in the MYH6 gene has not been previously reported in association with disease. This variant has been identified in 6/127,232 European non-Finnish chromosomes (8/280,258 chromosomes overall) by the Genome Aggregation Database. This variant is present in ClinVar (Accession: VCV000565499.15). The p.Gly1206= variant is a synonymous variant which is not expected to alter the MYH6 protein. Computational splicing tools predict an impact to splicing; however, the accuracy of in silico algorithms is limited. These data were assessed using the ACMG/AMP variant interpretation guidelines. In summary, the significance of the p.Gly1206= variant is uncertain. Additional information is needed to resolve the significance of this variant. [ACMG evidence codes used: PM2; PP3]

Fulgent Genetics
Classification: Uncertain significance for Hypertrophic cardiomyopathy 1; Hypertrophic cardiomyopathy 14; Dilated cardiomyopathy 1EE; Atrial septal defect 3; Sick sinus syndrome 3, susceptibility to. Last evaluated: 2021-08-12. Review status: criteria provided, single submitter. Criteria: ACMG Guidelines, 2015. Collection method: clinical testing. Allele origin: unknown.